The following is an entry in ClinVar:

NM_000601.6(HGF):c.762C>T (p.Gly254=)

Gene: HGF (hepatocyte growth factor; minus strand). Cytogenetic location: 7q21.11.
Variant type: single nucleotide variant.
Coding change: c.762C>T on transcript NM_000601.6 (MANE Select); coding-DNA position 762, C replaced by T.
Protein change: p.Gly254=; no amino-acid change (glycine 254 retained).
Molecular consequence: synonymous variant.
Genome position (GRCh38, 1-based): chr7:81,743,456, G>A on the plus strand (C>T on the coding strand, the complement: HGF is on the minus strand). VCF-style: chr7-81743456-G-A. GRCh37 (hg19) VCF-style: chr7-81372772-G-A.
Other names: c.762C>T, p.Gly254= (NM_001010931.3); c.747C>T, p.Gly249= (NM_001010932.3, NM_001010933.3).
Identifiers: ClinVar variation 798034 (VCV000798034.9), dbSNP rs772684432, ClinGen allele CA4317117.
Genomic context (GRCh38, chr7:81,743,456, plus strand): 5'-AAGAGTATAGCACCATGGCCTCGGCTGGCCATCGGGATTGCGGCAATAATTATCATCAAA[G>A]CCCTTGTCGGGATATCTGCAAACCACACCAAGAAAAGTGTCACGTAAATCTGCCTGGAAA-3'
Protein context (NP_000592.3, residues 244-264): KFLPERYPDK[Gly254=]FDDNYCRNPD

ClinVar aggregate classification (germline): Benign/Likely benign. Review status: criteria provided, multiple submitters, no conflicts (2 of 4 stars). 2 submissions from 2 submitters: Benign (1); Likely benign (1). Last evaluated 2026-07-01.

Conditions:
HGF-related disorder. Also called: HGF-related condition.

Allele frequency attached by ClinVar (database versions not stated): gnomAD exomes 0.00008 and 0.00033; gnomAD 0.00011 and 0.00012; TOPMed 0.00015; ExAC 0.00031.
gnomAD v4.1: 129 of 1,611,144 alleles (0.008%); highest among the groups gnomAD compares: East Asian, 0.28%; no homozygotes.

Submissions (2):

PreventionGenetics, part of Exact Sciences
Classification: Likely benign for HGF-related condition. Last evaluated: 2026-07-01. Review status: criteria provided, single submitter. Criteria: ACMG Guidelines, 2015. Collection method: clinical testing. Allele origin: germline.
Comment: This variant is classified as likely benign based on ACMG/AMP sequence variant interpretation guidelines (Richards et al. 2015 PMID: 25741868, with internal and published modifications).

Labcorp Genetics (formerly Invitae), Labcorp
Classification: Benign. Last evaluated: 2024-10-23. Review status: criteria provided, single submitter. Criteria: Invitae Variant Classification Sherloc (09022015). Collection method: clinical testing. Allele origin: germline.